The following is an entry in ClinVar:

ClinVar aggregate classification (germline): Uncertain significance. Review status: criteria provided, multiple submitters, no conflicts (2 of 4 stars). 3 submissions from 3 submitters: Uncertain significance (3). Last evaluated 2025-04-14.

Conditions:
Inborn genetic diseases. Identifiers: MedGen C0950123, MeSH D030342.

Allele frequency attached by ClinVar (database versions not stated): gnomAD exomes below 0.00001.
gnomAD v4.1: 2 of 1,613,044 alleles (0.00012%); highest among the groups gnomAD compares: East Asian, 0.0022%; no homozygotes.

Submissions (3):

Labcorp Genetics (formerly Invitae), Labcorp
Classification: Uncertain significance. Last evaluated: 2025-04-14. Review status: criteria provided, single submitter. Criteria: Invitae Variant Classification Sherloc (09022015). Collection method: clinical testing. Allele origin: germline.
Comment: This sequence change replaces alanine, which is neutral and non-polar, with glycine, which is neutral and non-polar, at codon 532 of the MAK protein (p.Ala532Gly). This variant is present in population databases (no rsID available, gnomAD 0.003%). This variant has not been reported in the literature in individuals affected with MAK-related conditions. ClinVar contains an entry for this variant (Variation ID: 2124913). Experimental studies and prediction algorithms are not available or were not evaluated, and the functional significance of this variant is currently unknown. In summary, the available evidence is currently insufficient to determine the role of this variant in disease. Therefore, it has been classified as a Variant of Uncertain Significance.

Ambry Genetics
Classification: Uncertain significance for Inborn genetic diseases. Last evaluated: 2024-03-26. Review status: criteria provided, single submitter. Criteria: Ambry Variant Classification Scheme 2023. Collection method: clinical testing. Allele origin: germline.

Blueprint Genetics
Classification: Uncertain significance. Last evaluated: 2021-12-17. Review status: criteria provided, single submitter. Criteria: ACMG Guidelines, 2015. Collection method: clinical testing. Allele origin: germline.

NM_001242957.3(MAK):c.1595C>G (p.Ala532Gly)

Gene: MAK (male germ cell associated kinase; minus strand). Cytogenetic location: 6p24.2.
Variant type: single nucleotide variant.
Coding change: c.1595C>G on transcript NM_001242957.3 (MANE Select); coding-DNA position 1595, C replaced by G.
Protein change: p.Ala532Gly; replaces alanine 532 with glycine.
Molecular consequence: missense variant. On other transcripts: non-coding transcript variant (2).
Genome position (GRCh38, 1-based): chr6:10,775,330, G>C on the plus strand (C>G on the coding strand, the complement: MAK is on the minus strand). VCF-style: chr6-10775330-G-C. GRCh37 (hg19) VCF-style: chr6-10775563-G-C.
Other names: c.1595C>G, p.Ala532Gly (NM_001242385.2, NM_005906.6); c.1493C>G, p.Ala498Gly (NM_001377262.1); c.1595C>G (NM_005906.4); short protein forms A498G, A532G.
Identifiers: ClinVar variation 2124913 (VCV002124913.4), dbSNP rs1227804755, ClinGen allele CA362715447.